The following is an entry in ClinVar:

NM_177438.3(DICER1):c.1418A>G (p.Tyr473Cys)

Gene: DICER1 (dicer 1, ribonuclease III; minus strand). Cytogenetic location: 14q32.13.
Variant type: single nucleotide variant.
Coding change: c.1418A>G on transcript NM_177438.3 (MANE Select); coding-DNA position 1418, A replaced by G.
Protein change: p.Tyr473Cys; replaces tyrosine 473 with cysteine.
Molecular consequence: missense variant.
Genome position (GRCh38, 1-based): chr14:95,117,713, T>C on the plus strand (A>G on the coding strand, the complement: DICER1 is on the minus strand). VCF-style: chr14-95117713-T-C. GRCh37 (hg19) VCF-style: chr14-95584050-T-C.
Other names: c.1418A>G, p.Tyr473Cys (NM_001195573.1, NM_001271282.3, NM_001291628.2 and 1 more transcripts); short protein forms Y473C.
Identifiers: ClinVar variation 946025 (VCV000946025.11), dbSNP rs1314692347, ClinGen allele CA390885616.

ClinVar aggregate classification (germline): Uncertain significance. Review status: criteria provided, multiple submitters, no conflicts (2 of 4 stars). 2 submissions from 2 submitters: Uncertain significance (2). Last evaluated 2025-10-06.

Conditions:
Hereditary cancer-predisposing syndrome. Also called: Neoplastic Syndromes, Hereditary; Hereditary neoplastic syndrome; Hereditary Cancer Syndrome; Tumor predisposition. Identifiers: Orphanet 140162, MedGen C0027672, MeSH D009386, MONDO:0015356.
DICER1-related tumor predisposition. Also called: DICER1-related pleuropulmonary blastoma cancer predisposition syndrome; DICER1 syndrome. Identifiers: Orphanet 284343, MedGen C3839822, MONDO:0100216.

Allele frequency attached by ClinVar (database versions not stated): gnomAD exomes below 0.00001.
gnomAD v4.1: 2 of 1,613,940 alleles (0.00012%); highest among the groups gnomAD compares: Non-Finnish European, 0.00017%; no homozygotes.

Submissions (2):

Labcorp Genetics (formerly Invitae), Labcorp
Classification: Uncertain significance for DICER1-related tumor predisposition. Last evaluated: 2025-10-06. Review status: criteria provided, single submitter. Criteria: Invitae Variant Classification Sherloc (09022015). Collection method: clinical testing. Allele origin: germline.
Comment: This sequence change replaces tyrosine, which is neutral and polar, with cysteine, which is neutral and slightly polar, at codon 473 of the DICER1 protein (p.Tyr473Cys). This variant is present in population databases (no rsID available, gnomAD 0.0009%). This variant has not been reported in the literature in individuals affected with DICER1-related conditions. ClinVar contains an entry for this variant (Variation ID: 946025). Invitae Evidence Modeling of protein sequence and biophysical properties (such as structural, functional, and spatial information, amino acid conservation, physicochemical variation, residue mobility, and thermodynamic stability) has been performed for this missense variant. However, the output from this modeling did not meet the statistical confidence thresholds required to predict the impact of this variant on DICER1 protein function. In summary, the available evidence is currently insufficient to determine the role of this variant in disease. Therefore, it has been classified as a Variant of Uncertain Significance.

Ambry Genetics
Classification: Uncertain significance for Hereditary cancer-predisposing syndrome. Last evaluated: 2021-03-31. Review status: criteria provided, single submitter. Criteria: Ambry Variant Classification Scheme 2023. Collection method: clinical testing. Allele origin: germline.
Comment: The p.Y473C variant (also known as c.1418A>G), located in coding exon 8 of the DICER1 gene, results from an A to G substitution at nucleotide position 1418. The tyrosine at codon 473 is replaced by cysteine, an amino acid with highly dissimilar properties. This amino acid position is highly conserved in available vertebrate species. In addition, this alteration is predicted to be deleterious by in silico analysis. Since supporting evidence is limited at this time, the clinical significance of this alteration remains unclear.